The following is an entry in ClinVar:

ClinVar aggregate classification (germline): other (0 of 4 stars; one submission).

Conditions:
Familial colorectal cancer. Identifiers: MedGen CN280943, MONDO:0023113. Disease mechanism: loss of function.

Submission:

Systems Biology Platform Zhejiang California International NanoSystems Institute
Classification: other for Familial colorectal cancer. Review status: no assertion criteria provided. Collection method: not provided. Allele origin: unknown.
ClinVar note: Converted during submission from cancer to other.

NM_000038.6(APC):c.136-5245T>G

Gene: APC (APC regulator of WNT signaling pathway; plus strand). Cytogenetic location: 5q22.2.
Variant type: single nucleotide variant.
Coding change: c.136-5245T>G on transcript NM_000038.6 (MANE Select); 5245 bases into the intron before coding-DNA position 136, T replaced by G.
Molecular consequence: intron variant.
Genome position (GRCh38, 1-based): chr5:112,761,081, T>G. VCF-style: chr5-112761081-T-G. GRCh37 (hg19) VCF-style: chr5-112096778-T-G.
Other names: c.136-5245T>G (NM_001354895.2, NM_001127510.3, NM_001354896.2 and 2 more transcripts); c.166-5245T>G (NM_001354897.2, NM_001354902.2, NM_001127511.3); c.61-5245T>G (NM_001354898.2, NM_001354904.2); c.-900-5245T>G (NM_001354906.2); c.-42-5245T>G (NM_001354900.2, NM_001354901.2, NM_001354905.2).
Identifiers: ClinVar variation 82378 (VCV000082378.2), dbSNP rs79277510, ClinGen allele CA004799.
Genomic context (GRCh38, chr5:112,761,081, plus strand): 5'-GGATGGTCTTGATCTCCTGACCTCGTGATCCACCTGACTCGGCCTCCCAAAGTGCTGAGA[T>G]TACAGGTGTGAGCCACCACCCCCAGCGGGTCCCAATCCATTTTTAGTTGCTAATTGGATT-3'